The following is an entry in ClinVar:

ClinVar aggregate classification (germline): Uncertain significance. Review status: criteria provided, multiple submitters, no conflicts (2 of 4 stars). 2 submissions from 2 submitters: Uncertain significance (2). Last evaluated 2022-07-17.

Conditions:
Birt-Hogg-Dube syndrome. Also called: Birt Hogg Dubé syndrome. Identifiers: Orphanet 122, MedGen C0346010, MONDO:0800444.
Hereditary cancer-predisposing syndrome. Also called: Hereditary Cancer Syndrome; Neoplastic Syndromes, Hereditary; Hereditary neoplastic syndrome; Tumor predisposition. Identifiers: Orphanet 140162, MedGen C0027672, MeSH D009386, MONDO:0015356.

Submissions (2):

Labcorp Genetics (formerly Invitae), Labcorp
Classification: Uncertain significance for Birt-Hogg-Dube syndrome. Last evaluated: 2022-07-17. Review status: criteria provided, single submitter. Criteria: Invitae Variant Classification Sherloc (09022015). Collection method: clinical testing. Allele origin: germline.
Comment: This sequence change replaces proline, which is neutral and non-polar, with alanine, which is neutral and non-polar, at codon 278 of the FLCN protein (p.Pro278Ala). This variant is not present in population databases (gnomAD no frequency). This variant has not been reported in the literature in individuals affected with FLCN-related conditions. ClinVar contains an entry for this variant (Variation ID: 822302). Algorithms developed to predict the effect of missense changes on protein structure and function are either unavailable or do not agree on the potential impact of this missense change (SIFT: "Deleterious"; PolyPhen-2: "Benign"; Align-GVGD: "Class C0"). In summary, the available evidence is currently insufficient to determine the role of this variant in disease. Therefore, it has been classified as a Variant of Uncertain Significance.

Ambry Genetics
Classification: Uncertain significance for Hereditary cancer-predisposing syndrome. Last evaluated: 2021-09-27. Review status: criteria provided, single submitter. Criteria: Ambry Variant Classification Scheme 2023. Collection method: clinical testing. Allele origin: germline.
Comment: The p.P278A variant (also known as c.832C>G), located in coding exon 5 of the FLCN gene, results from a C to G substitution at nucleotide position 832. The proline at codon 278 is replaced by alanine, an amino acid with highly similar properties. This amino acid position is highly conserved in available vertebrate species. In addition, the in silico prediction for this alteration is inconclusive. Since supporting evidence is limited at this time, the clinical significance of this alteration remains unclear.

NM_144997.7(FLCN):c.832C>G (p.Pro278Ala)

Gene: FLCN (folliculin; minus strand). Cytogenetic location: 17p11.2.
Variant type: single nucleotide variant.
Coding change: c.832C>G on transcript NM_144997.7 (MANE Select); coding-DNA position 832, C replaced by G.
Protein change: p.Pro278Ala; replaces proline 278 with alanine.
Molecular consequence: missense variant.
Genome position (GRCh38, 1-based): chr17:17,221,576, G>C on the plus strand (C>G on the coding strand, the complement: FLCN is on the minus strand). VCF-style: chr17-17221576-G-C. GRCh37 (hg19) VCF-style: chr17-17124890-G-C.
Other names: c.886C>G, p.Pro296Ala (NM_001353229.2); c.832C>G, p.Pro278Ala (NM_001353230.2, NM_001353231.2, NM_144606.7); short protein forms P296A, P278A.
Identifiers: ClinVar variation 822302 (VCV000822302.9), dbSNP rs1597599209, ClinGen allele CA398533695.